The following is an entry in ClinVar:

ClinVar aggregate classification (germline): Pathogenic (1 of 4 stars; one submission).

Submission:

Labcorp Genetics (formerly Invitae), Labcorp
Classification: Pathogenic. Last evaluated: 2024-09-29. Review status: criteria provided, single submitter. Criteria: Invitae Variant Classification Sherloc (09022015). Collection method: clinical testing. Allele origin: germline.
Comment: This sequence change creates a premature translational stop signal (p.Leu1385Cysfs*4) in the FAT4 gene. It is expected to result in an absent or disrupted protein product. Loss-of-function variants in FAT4 are known to be pathogenic (PMID: 24056717, 24913602). This variant is not present in population databases (gnomAD no frequency). This variant has not been reported in the literature in individuals affected with FAT4-related conditions. For these reasons, this variant has been classified as Pathogenic.

Literature cited by the submitters: PubMed 24056717; PubMed 24913602.

NM_001291303.3(FAT4):c.4154del (p.Leu1385fs)

Gene: FAT4 (FAT atypical cadherin 4; plus strand). Cytogenetic location: 4q28.1.
Variant type: Deletion.
Coding change: c.4154del on transcript NM_001291303.3 (MANE Select); coding-DNA position 4154, one base deleted (T; older notation c.4154delT).
Protein change: p.Leu1385fs; shifts the reading frame from leucine 1385.
Molecular consequence: frameshift variant.
Genome position (GRCh38, 1-based): chr4:125,320,565, T deleted; the last of 3 consecutive T bases (chr4:125,320,563-125,320,565); deleting any one gives the same sequence. VCF-style (leftmost placement, unchanged base first): chr4-125320562-CT-C. GRCh37 (hg19) VCF-style: chr4-126241717-CT-C.
Other names: c.4154del, p.Leu1385fs (NM_001291285.3, NM_024582.6); short protein forms L1385fs.
Identifiers: ClinVar variation 3721840 (VCV003721840.2).